The following is an entry in ClinVar:

NM_005862.3(STAG1):c.1519T>A (p.Leu507Ile)

Gene: STAG1 (STAG1 cohesin complex component; minus strand). Cytogenetic location: 3q22.3.
Variant type: single nucleotide variant.
Coding change: c.1519T>A on transcript NM_005862.3 (MANE Select); coding-DNA position 1519, T replaced by A.
Protein change: p.Leu507Ile; replaces leucine 507 with isoleucine.
Molecular consequence: missense variant.
Genome position (GRCh38, 1-based): chr3:136,443,314, A>T on the plus strand (T>A on the coding strand, the complement: STAG1 is on the minus strand). VCF-style: chr3-136443314-A-T. GRCh37 (hg19) VCF-style: chr3-136162156-A-T.
Other names: short protein forms L507I.
Identifiers: ClinVar variation 3363416 (VCV003363416.1).
Genomic context (GRCh38, chr3:136,443,314, plus strand): 5'-AATCATGTAAATTAACTTGTCAAAATACTATACCTTCCTCTCCTTGAACAGGTTCTTCTA[A>T]TAGCAACTCTGTCATACATTCCCAGTCTTTCAACAGTTCTTGAGAGCTCTCCCATAAACT-3'
Protein context (NP_005853.2, residues 497-517): KDWECMTELL[Leu507Ile]EEPVQGEEAM

ClinVar aggregate classification (germline): Uncertain significance (1 of 4 stars; one submission).

Submission:

GeneDx
Classification: Uncertain significance. Last evaluated: 2023-10-23. Review status: criteria provided, single submitter. Criteria: GeneDx Variant Classification Process June 2021. Collection method: clinical testing. Allele origin: germline. Affected: yes.
Comment: Not observed at significant frequency in large population cohorts (gnomAD); In silico analysis supports that this missense variant does not alter protein structure/function; Has not been previously published as pathogenic or benign to our knowledge